The following is an entry in ClinVar:

ClinVar aggregate classification (germline): Uncertain significance (1 of 4 stars; one submission).

Conditions:
Hereditary pancreatitis (PCTT). Also called: Hereditary chronic pancreatitis; PRSS1-Related Hereditary Pancreatitis. Identifiers: Orphanet 676, MedGen C0238339, MONDO:0008185, OMIM 167800.

Submission:

Ambry Genetics
Classification: Uncertain significance for Hereditary pancreatitis. Last evaluated: 2024-09-08. Review status: criteria provided, single submitter. Criteria: Ambry Variant Classification Scheme 2023. Collection method: clinical testing. Allele origin: germline.
Comment: The p.P56R variant (also known as c.167C>G), located in coding exon 3 of the CPA1 gene, results from a C to G substitution at nucleotide position 167. The proline at codon 56 is replaced by arginine, an amino acid with dissimilar properties. This amino acid position is conserved. In addition, this alteration is predicted to be tolerated by in silico analysis. Based on the available evidence, the clinical significance of this variant remains unclear.

NM_001868.4(CPA1):c.167C>G (p.Pro56Arg)

Gene: CPA1 (carboxypeptidase A1; plus strand). Cytogenetic location: 7q32.2.
Variant type: single nucleotide variant.
Coding change: c.167C>G on transcript NM_001868.4 (MANE Select); coding-DNA position 167, C replaced by G.
Protein change: p.Pro56Arg; replaces proline 56 with arginine.
Molecular consequence: missense variant.
Genome position (GRCh38, 1-based): chr7:130,381,649, C>G. VCF-style: chr7-130381649-C-G. GRCh37 (hg19) VCF-style: chr7-130021490-C-G.
Other names: short protein forms P56R.
Identifiers: ClinVar variation 3496199 (VCV003496199.1).